The following is an entry in ClinVar:

ClinVar aggregate classification (germline): Benign/Likely benign. Review status: criteria provided, multiple submitters, no conflicts (2 of 4 stars). 10 submissions from 10 submitters: Benign (2); Likely benign (5). 3 of the submissions do not count toward it. Last evaluated 2026-09-01.

Conditions:
Pseudohypoaldosteronism type 2C (PHA2C). Also called: Pseudohypoaldosteronism Type IIC. Identifiers: Orphanet 757, Orphanet 88940, MedGen C1840391, MONDO:0013778, OMIM 614492.
Neuropathy, hereditary sensory and autonomic, type 2A (HSAN2A). Also called: HSAN IIA; ACROOSTEOLYSIS, GIACCAI TYPE; ACROOSTEOLYSIS, NEUROGENIC; MORVAN DISEASE; WNK1-Related HSAN2 (HSAN2A); NEUROPATHY, CONGENITAL SENSORY. Identifiers: Orphanet 970, MedGen C2752089, MONDO:0024309, OMIM 201300.

Submissions (10):

CeGaT Center for Human Genetics Tuebingen
Classification: Likely benign. Last evaluated: 2026-09-01. Review status: criteria provided, single submitter. Criteria: CeGaT Center For Human Genetics Tuebingen Variant Classification Criteria Version 2. Collection method: clinical testing. Allele origin: germline. Affected: yes. Observed: 13 variant alleles.
Comment: WNK1: PM4, BS2

Labcorp Genetics (formerly Invitae), Labcorp
Classification: Benign for Neuropathy, hereditary sensory and autonomic, type 2A; Pseudohypoaldosteronism type 2C. Last evaluated: 2026-02-02. Review status: criteria provided, single submitter. Criteria: Invitae Variant Classification Sherloc (09022015). Collection method: clinical testing. Allele origin: germline.

ARUP Laboratories, Molecular Genetics and Genomics, ARUP Laboratories
Classification: Likely benign. Last evaluated: 2025-01-24. Review status: criteria provided, single submitter. Criteria: ARUP Molecular Germline Variant Investigation Process 2024. Collection method: clinical testing. Allele origin: germline.

Blueprint Genetics
Classification: Likely benign. Last evaluated: 2024-11-25. Review status: criteria provided, single submitter. Criteria: ACMG Guidelines, 2015. Collection method: clinical testing. Allele origin: germline.

Mayo Clinic Laboratories, Mayo Clinic
Classification: Benign. Last evaluated: 2024-04-16. Review status: criteria provided, single submitter. Criteria: ACMG Guidelines, 2015. Collection method: clinical testing. Allele origin: germline. Observed: 12 variant alleles.
Comment: BA1, BS2

Fulgent Genetics
Classification: Likely benign for Neuropathy, hereditary sensory and autonomic, type 2A; Pseudohypoaldosteronism type 2C. Last evaluated: 2021-10-12. Review status: criteria provided, single submitter. Criteria: ACMG Guidelines, 2015. Collection method: clinical testing. Allele origin: unknown.

Department of Pathology and Laboratory Medicine, Sinai Health System
Classification: Likely benign for Neuropathy, hereditary sensory and autonomic, type 2A; Pseudohypoaldosteronism type 2C. Last evaluated: 2021-07-30. Review status: criteria provided, single submitter. Criteria: ACMG Guidelines, 2015. Collection method: research. Allele origin: germline.

Clinical Genetics DNA and cytogenetics Diagnostics Lab, Erasmus MC, Erasmus Medical Center
Classification: Likely benign. Review status: no assertion criteria provided. Collection method: clinical testing. Allele origin: germline. Affected: yes. Study: VKGL Data-share Consensus. Not counted in ClinVar's aggregate classification.

Clinical Genetics, Academic Medical Center
Classification: Benign. Review status: no assertion criteria provided. Collection method: clinical testing. Allele origin: germline. Affected: yes. Study: VKGL Data-share Consensus. Not counted in ClinVar's aggregate classification.

Genome Diagnostics Laboratory, University Medical Center Utrecht
Classification: Likely benign. Review status: no assertion criteria provided. Collection method: clinical testing. Allele origin: germline. Affected: yes. Study: VKGL Data-share Consensus. Not counted in ClinVar's aggregate classification.

NM_018979.4(WNK1):c.5542_5550del (p.Thr1848_Ser1850del)

Gene: WNK1 (WNK lysine deficient protein kinase 1; plus strand). Cytogenetic location: 12p13.33.
Variant type: Deletion.
Coding change: c.5542_5550del on transcript NM_018979.4 (MANE Select); coding-DNA positions 5542 to 5550, 9 bases deleted (ACTAGTTCA; older notation c.5542_5550delACTAGTTCA).
Protein change: p.Thr1848_Ser1850del.
Molecular consequence: inframe deletion.
Genome position (GRCh38, 1-based): chr12:894,594-894,602, ACTAGTTCA deleted; deleting any 9 consecutive bases within chr12:894,592-894,602 gives the same sequence; the c. name uses the placement nearest the transcript's 3' end. VCF-style (leftmost placement, unchanged base first): chr12-894591-GCAACTAGTT-G. GRCh37 (hg19) VCF-style: chr12-1003757-GCAACTAGTT-G.
Other names: p.Thr2100_Ser2102del; c.6322_6330del, p.Thr2108_Ser2110del (NM_001184985.2); c.4798_4806del, p.Thr1600_Ser1602del (NM_014823.3); c.6298_6306del, p.Thr2100_Ser2102del (NM_213655.5).
Identifiers: ClinVar variation 471200 (VCV000471200.66), dbSNP rs544395150, ClinGen allele CA6383227.
Genomic context (GRCh38, chr12:894,591, plus strand): 5'-TATGTTTTCCTCATCCATGTATTTGTTTCAGTTTCTCAAGTCAAAGAAGGCCCTGTCCTA[GCAACTAGTT>G]CAGGAGCTGGTGTTTTTAAGATGGGACGATTTCAGGTAAGACAGTCACTTTGTGTTGCCT-3'